The following is an entry in ClinVar:

ClinVar aggregate classification (germline): Uncertain significance (1 of 4 stars; one submission).

Submission:

GeneDx
Classification: Uncertain significance. Last evaluated: 2025-06-20. Review status: criteria provided, single submitter. Criteria: GeneDx Variant Classification Process June 2021. Collection method: clinical testing. Allele origin: germline. Affected: yes.
Comment: Not observed at significant frequency in large population cohorts (gnomAD); In silico analysis supports a deleterious effect on splicing; Has not been previously published as pathogenic or benign to our knowledge; This variant is associated with the following publications: (PMID: 29493581)

NM_005633.4(SOS1):c.2510+4_2510+7del

Gene: SOS1 (SOS Ras/Rac guanine nucleotide exchange factor 1; minus strand). Cytogenetic location: 2p22.1.
Variant type: Microsatellite.
Coding change: c.2510+4_2510+7del on transcript NM_005633.4 (MANE Select); bases 4 to 7 of the intron after coding-DNA position 2510, 4 bases deleted (AGTA; older notation c.2510+4_2510+7delAGTA).
Molecular consequence: splice donor variant.
Genome position (GRCh38, 1-based): chr2:39,010,577-39,010,580, TACT deleted on the plus strand (AGTA on the coding strand, the reverse complement: SOS1 is on the minus strand); deleting any 4 consecutive bases within chr2:39,010,577-39,010,585 gives the same sequence; the c. name uses the placement nearest the transcript's 3' end. VCF-style (leftmost placement, unchanged base first): chr2-39010576-ATACT-A. GRCh37 (hg19) VCF-style: chr2-39237717-ATACT-A.
Other names: c.2489+4_2489+7del (NM_001382394.1); c.2510+4_2510+7del (NM_001382395.1).
Identifiers: ClinVar variation 4538602 (VCV004538602.1).
Genomic context (GRCh38, chr2:39,010,576, plus strand): 5'-AAAAAATTGCATTGAAATTCATAACATAGCTGACAGCTATAAAATATAAGAATGCTAGGA[ATACT>A]TACTTCTCAAACCACAGAGTGAGGTTGGTGGTATGTCGAATCATTTTCAGAAGATTAGGA-3'